The following is an entry in ClinVar:

ClinVar aggregate classification (germline): Uncertain significance (1 of 4 stars; one submission).

Conditions:
Familial cancer of breast. Also called: BREAST CANCER, FAMILIAL; hereditary breast carcinoma; Hereditary breast cancer. Identifiers: Orphanet 227535, MedGen C0346153, MONDO:0016419, OMIM 114480. Disease mechanism: loss of function.

Submission:

Labcorp Genetics (formerly Invitae), Labcorp
Classification: Uncertain significance for Familial cancer of breast. Last evaluated: 2022-10-12. Review status: criteria provided, single submitter. Criteria: Invitae Variant Classification Sherloc (09022015). Collection method: clinical testing. Allele origin: germline.
Comment: In summary, the available evidence is currently insufficient to determine the role of this variant in disease. Therefore, it has been classified as a Variant of Uncertain Significance. Algorithms developed to predict the effect of missense changes on protein structure and function output the following: SIFT: "Tolerated"; PolyPhen-2: "Benign"; Align-GVGD: "Class C0". The aspartic acid amino acid residue is found in multiple mammalian species, which suggests that this missense change does not adversely affect protein function. This variant has not been reported in the literature in individuals affected with PALB2-related conditions. This variant is not present in population databases (gnomAD no frequency). This sequence change replaces asparagine, which is neutral and polar, with aspartic acid, which is acidic and polar, at codon 74 of the PALB2 protein (p.Asn74Asp).

NM_024675.4(PALB2):c.220A>G (p.Asn74Asp)

Gene: PALB2 (partner and localizer of BRCA2; minus strand). Cytogenetic location: 16p12.2.
Variant type: single nucleotide variant.
Coding change: c.220A>G on transcript NM_024675.4 (MANE Select); coding-DNA position 220, A replaced by G.
Protein change: p.Asn74Asp; replaces asparagine 74 with aspartic acid.
Molecular consequence: missense variant.
Genome position (GRCh38, 1-based): chr16:23,636,326, T>C on the plus strand (A>G on the coding strand, the complement: PALB2 is on the minus strand). VCF-style: chr16-23636326-T-C. GRCh37 (hg19) VCF-style: chr16-23647647-T-C.
Other names: c.160A>G, p.Asn54Asp (NM_001407296.1); c.220A>G, p.Asn74Asp (NM_001407297.1, NM_001407298.1, NM_001407299.1 and 3 more transcripts); c.-666A>G (NM_001407304.1, NM_001407305.1, NM_001407306.1 and 5 more transcripts); short protein forms N54D, N74D.
Identifiers: ClinVar variation 1721472 (VCV001721472.5), dbSNP rs2506519799, ClinGen allele CA395138975.